The following is an entry in ClinVar:

NM_004560.4(ROR2):c.1300G>A (p.Ala434Thr)

Gene: ROR2 (receptor tyrosine kinase like orphan receptor 2; minus strand). Cytogenetic location: 9q22.31.
Variant type: single nucleotide variant.
Coding change: c.1300G>A on transcript NM_004560.4 (MANE Select); coding-DNA position 1300, G replaced by A.
Protein change: p.Ala434Thr; replaces alanine 434 with threonine.
Molecular consequence: missense variant. On other transcripts: synonymous variant (1).
Genome position (GRCh38, 1-based): chr9:91,726,627, C>T on the plus strand (G>A on the coding strand, the complement: ROR2 is on the minus strand). VCF-style: chr9-91726627-C-T. GRCh37 (hg19) VCF-style: chr9-94488909-C-T.
Other names: c.1266G>A, p.Arg422= (NM_001318204.2); short protein forms A434T.
Identifiers: ClinVar variation 912922 (VCV000912922.7), dbSNP rs144447132, ClinGen allele CA5120736.

ClinVar aggregate classification (germline): Uncertain significance. Review status: criteria provided, multiple submitters, no conflicts (2 of 4 stars). 4 submissions from 3 submitters: Uncertain significance (4). Last evaluated 2024-09-24.

Conditions:
Autosomal recessive Robinow syndrome (RRS1). Also called: COSTOVERTEBRAL SEGMENTATION DEFECT WITH MESOMELIA; COVESDEM SYNDROME; ROR2-Related Robinow Syndrome; ROBINOW SYNDROME, AUTOSOMAL RECESSIVE 1. Identifiers: Orphanet 1507, Orphanet 97360, MedGen C5399974, MONDO:0009999, OMIM 268310.
Brachydactyly type B1 (BDB1). Identifiers: Orphanet 572385, Orphanet 93383, MedGen C1862112, MONDO:0007220, OMIM 113000.

Allele frequency attached by ClinVar (database versions not stated): gnomAD 0.00001; TOPMed 0.00003.
gnomAD v4.1: 32 of 1,613,780 alleles (0.002%); highest among the groups gnomAD compares: Non-Finnish European, 0.0022%; no homozygotes.

Submissions (4):

Labcorp Genetics (formerly Invitae), Labcorp
Classification: Uncertain significance. Last evaluated: 2024-09-24. Review status: criteria provided, single submitter. Criteria: Invitae Variant Classification Sherloc (09022015). Collection method: clinical testing. Allele origin: germline.
Comment: This sequence change replaces alanine, which is neutral and non-polar, with threonine, which is neutral and polar, at codon 434 of the ROR2 protein (p.Ala434Thr). This variant is present in population databases (rs144447132, gnomAD 0.002%). This variant has not been reported in the literature in individuals affected with ROR2-related conditions. ClinVar contains an entry for this variant (Variation ID: 912922). Invitae Evidence Modeling of protein sequence and biophysical properties (such as structural, functional, and spatial information, amino acid conservation, physicochemical variation, residue mobility, and thermodynamic stability) indicates that this missense variant is not expected to disrupt ROR2 protein function with a negative predictive value of 95%. In summary, the available evidence is currently insufficient to determine the role of this variant in disease. Therefore, it has been classified as a Variant of Uncertain Significance.

Fulgent Genetics
Classification: Uncertain significance for Brachydactyly type B1; Autosomal recessive Robinow syndrome. Last evaluated: 2024-02-22. Review status: criteria provided, single submitter. Criteria: ACMG Guidelines, 2015. Collection method: clinical testing. Allele origin: germline.

Illumina Laboratory Services, Illumina
Classification: Uncertain significance for Brachydactyly type B1. Last evaluated: 2018-01-13. Review status: criteria provided, single submitter. Criteria: ICSL Variant Classification Criteria 13 December 2019. Collection method: clinical testing. Allele origin: germline.

Illumina Laboratory Services, Illumina
Classification: Uncertain significance for Autosomal recessive Robinow syndrome. Last evaluated: 2018-01-13. Review status: criteria provided, single submitter. Criteria: ICSL Variant Classification Criteria 13 December 2019. Collection method: clinical testing. Allele origin: germline.